The following is an entry in ClinVar:

ClinVar aggregate classification (germline): Pathogenic. Review status: criteria provided, multiple submitters, no conflicts (2 of 4 stars). 2 submissions from 2 submitters: Pathogenic (2). Last evaluated 2025-06-09.

Conditions:
Duchenne muscular dystrophy (DMD). Also called: Duchenne Muscular Dystrophy (DMD); MUSCULAR DYSTROPHY, PSEUDOHYPERTROPHIC PROGRESSIVE, DUCHENNE TYPE. Identifiers: Orphanet 98896, MedGen C0013264, MONDO:0010679, OMIM 310200.

Submissions (2):

Labcorp Genetics (formerly Invitae), Labcorp
Classification: Pathogenic for Duchenne muscular dystrophy. Last evaluated: 2025-06-09. Review status: criteria provided, single submitter. Criteria: Invitae Variant Classification Sherloc (09022015). Collection method: clinical testing. Allele origin: germline.
Comment: This sequence change creates a premature translational stop signal (p.Tyr3454Phefs*2) in the DMD gene. It is expected to result in an absent or disrupted protein product. Loss-of-function variants in DMD are known to be pathogenic (PMID: 16770791, 25007885). This variant is not present in population databases (gnomAD no frequency). This variant has not been reported in the literature in individuals affected with DMD-related conditions. ClinVar contains an entry for this variant (Variation ID: 285350). For these reasons, this variant has been classified as Pathogenic.

Eurofins Ntd Llc (ga)
Classification: Pathogenic. Last evaluated: 2016-01-15. Review status: criteria provided, single submitter. Criteria: EGL Classification Definitions 2015. Collection method: clinical testing. Allele origin: germline. Observed: 1 variant allele, 1 hemizygote.

Literature cited by the submitters: PubMed 16770791 (cited by Labcorp Genetics (formerly Invitae), Labcorp); PubMed 25007885 (cited by Labcorp Genetics (formerly Invitae), Labcorp).

NM_004006.3(DMD):c.10361del (p.Tyr3454fs)

Gene: DMD (dystrophin; minus strand). Cytogenetic location: Xp21.2.
Variant type: Deletion.
Coding change: c.10361del on transcript NM_004006.3 (MANE Select); coding-DNA position 10361, one base deleted (A; older notation c.10361delA).
Protein change: p.Tyr3454fs; shifts the reading frame from tyrosine 3454.
Molecular consequence: frameshift variant. On other transcripts: intron variant (2).
Genome position (GRCh38, 1-based): chrX:31,172,381, T deleted on the plus strand (A on the coding strand, the reverse complement: DMD is on the minus strand). VCF-style (leftmost placement, unchanged base first): chrX-31172380-AT-A. GRCh37 (hg19) VCF-style: chrX-31190497-AT-A.
Other names: c.10337del, p.Tyr3446fs (NM_000109.4); c.10349del, p.Tyr3450fs (NM_004009.3); c.9992del, p.Tyr3331fs (NM_004010.3); c.6338del, p.Tyr2113fs (NM_004011.4); c.6329del, p.Tyr2110fs (NM_004012.4); c.2981del, p.Tyr994fs (NM_004013.3, NM_004021.3); c.2174del, p.Tyr725fs (NM_004014.3); c.1157del, p.Tyr386fs (NM_004015.3, NM_004016.3); and 3 more; short protein forms Y2113fs, Y3454fs, Y981fs, Y2110fs, Y373fs, Y994fs, Y3331fs, Y3450fs.
Identifiers: ClinVar variation 285350 (VCV000285350.13), dbSNP rs886043084, ClinGen allele CA10605088.
Genomic context (GRCh38, chrX:31,172,380, plus strand): 5'-ATTTTGTAAAAAGAGATGGGATACTTACATGCTCTCATTAGGAGAGATGCTATCATTTAG[AT>A]AAGATCCATTGCTGTTTTCCATTTCTGCTAGCCTGATAAAAAACGTAAAAGCTCATTAAA-3'